The following is an entry in ClinVar:

NM_001005242.3(PKP2):c.1379-2019C>T

Gene: PKP2 (plakophilin 2; minus strand). Cytogenetic location: 12p11.21.
Variant type: single nucleotide variant.
Coding change: c.1379-2019C>T on transcript NM_001005242.3 (MANE Select); 2019 bases into the intron before coding-DNA position 1379, C replaced by T.
Molecular consequence: intron variant. On other transcripts: missense variant (1).
Genome position (GRCh38, 1-based): chr12:32,843,224, G>A on the plus strand (C>T on the coding strand, the complement: PKP2 is on the minus strand). VCF-style: chr12-32843224-G-A. GRCh37 (hg19) VCF-style: chr12-32996158-G-A.
Other names: c.1468C>T, p.Arg490Trp (NM_004572.4); short protein forms R490W.
Identifiers: ClinVar variation 179026 (VCV000179026.67), dbSNP rs149930872, ClinGen allele CA010572.

ClinVar aggregate classification (germline): Conflicting classifications of pathogenicity. Review status: criteria provided, conflicting classifications (1 of 4 stars). 19 submissions from 14 submitters: Uncertain significance (6); Benign (1); Likely benign (12). Last evaluated 2026-06-29.

Conditions:
Cardiovascular phenotype. Identifiers: MedGen CN230736.
Brugada syndrome. Also called: Sudden unexplained nocturnal death syndrome; Sudden Unexplained Death Syndrome; Sudden Unexplained Nocturnal Death Syndrome (SUNDS); Sudden unexpected nocturnal death syndrome. Identifiers: Orphanet 130, MedGen C1142166, MONDO:0015263.
Cardiomyopathy (CMYO). Also called: Cardiomyopathies. Identifiers: Orphanet 167848, MedGen C0878544, MONDO:0004994, HP:0001638. Inheritance: Various modes of inheritance.
Dilated cardiomyopathy 3B (CMD3B). Also called: CMD3B: DMD-Related Dilated Cardiomyopathy; CARDIOMYOPATHY, DILATED, X-LINKED; DMD-Associated Dilated Cardiomyopathy. Identifiers: Orphanet 154, MedGen C3668940, MONDO:0010542, OMIM 302045.
Primary dilated cardiomyopathy (DCM). Also called: Dilated Cardiomyopathy. Identifiers: Orphanet 217604, MedGen C0007193, MeSH D002311, MONDO:0005021, HP:0001644. Inheritance: Various modes of inheritance.
Duchenne muscular dystrophy (DMD). Also called: Duchenne Muscular Dystrophy (DMD); MUSCULAR DYSTROPHY, PSEUDOHYPERTROPHIC PROGRESSIVE, DUCHENNE TYPE. Identifiers: Orphanet 98896, MedGen C0013264, MONDO:0010679, OMIM 310200.
Becker muscular dystrophy (BMD). Also called: Becker Muscular Dystrophy (BMD); MUSCULAR DYSTROPHY, PSEUDOHYPERTROPHIC PROGRESSIVE, BECKER TYPE. Identifiers: Orphanet 98895, MedGen C0917713, MONDO:0010311, OMIM 300376.
Arrhythmogenic right ventricular dysplasia 9 (ARVD9). Also called: Arrhythmogenic Right Ventricular Dysplasia/Cardiomyopathy 9; ARRHYTHMOGENIC RIGHT VENTRICULAR DYSPLASIA, FAMILIAL, 9. Identifiers: MedGen C1836906, MONDO:0012180, OMIM 609040.

Allele frequency attached by ClinVar (database versions not stated): 1000 Genomes Project 30x 0.00047; gnomAD 0.00049 and 0.00051; 1000 Genomes Project 0.00060; ESP Exome Variant Server 0.00069.
gnomAD v4.1: 312 of 711,088 alleles (0.044%); highest among the groups gnomAD compares: African/African-American, 0.098%; 1 homozygote.

Submissions (19):

Women's Health and Genetics/Laboratory Corporation of America, LabCorp
Classification: Likely benign. Last evaluated: 2026-06-29. Review status: criteria provided, single submitter. Criteria: LabCorp Variant Classification Summary - May 2015. Collection method: clinical testing. Allele origin: germline.
Comment: Variant summary: PKP2 c.1468C>T (p.Arg490Trp) results in a non-conservative amino acid change in the encoded protein sequence. Algorithms developed to predict the effect of missense changes on protein structure and function are either unavailable or do not agree on the potential impact of this missense change. Consensus agreement among computation tools predict no significant impact on normal splicing. However, these predictions have yet to be confirmed by functional studies. The variant allele was found at a frequency of 0.00042 in 231024 control chromosomes, predominantly at a frequency of 0.00093 within the South Asian subpopulation in the gnomAD database. The observed variant frequency within South Asian control individuals in the gnomAD database is approximately 2.16 fold of the estimated maximal expected allele frequency for a pathogenic variant in PKP2 causing Arrhythmia phenotype (0.00043), strongly suggesting that the variant is a benign polymorphism found primarily in populations of South Asian origin. c.1468C>T has been observed in individuals affected with arrhythmogenic right ventricular cardiomyopathy, sudden unexplained death and cardiac disease without clear evidence for causality (Gandjbakhch_2011, Sanchez_2016, Iglesia_2021). Additionally, one publication reported three siblings, including two reported as affected/possibly affected ARVC and one reported as unaffected, and suggested this variant is not fully penetrant or does not segregate with disease. Moreover, another variant (DSP p.Glu2343Lys) was found in all three family members and may explain the phenotype in these patients (Gandjbakhch_2011). At least one publication reports experimental evidence evaluating an impact on protein function. These results showed no damaging effect of this variant (Gandjbakhch_2011). The following publications have been ascertained in the context of this evaluation (PMID: 20400443, 21378009, 33919104, 25676813, 23861362, 27930701, 25650408) ClinVar contains an entry for this variant (Variation ID: 179026). Based on the evidence outlined above, the variant was classified as likely benign.

Labcorp Genetics (formerly Invitae), Labcorp
Classification: Likely benign for Arrhythmogenic right ventricular dysplasia 9. Last evaluated: 2026-01-25. Review status: criteria provided, single submitter. Criteria: Invitae Variant Classification Sherloc (09022015). Collection method: clinical testing. Allele origin: germline.

Mayo Clinic Laboratories, Mayo Clinic
Classification: Likely benign. Last evaluated: 2025-10-20. Review status: criteria provided, single submitter. Criteria: ACMG Guidelines, 2015. Collection method: clinical testing. Allele origin: germline. Observed: 2 variant alleles.
Comment: BS1, BP4

Molecular Diagnostic Laboratory for Inherited Cardiovascular Disease, Montreal Heart Institute
Classification: Likely benign. Last evaluated: 2025-04-09. Review status: criteria provided, single submitter. Criteria: ACMG Guidelines, 2015. Collection method: clinical testing. Allele origin: germline. Affected: no.

Color Diagnostics, LLC DBA Color Health
Classification: Likely benign for Cardiomyopathy. Last evaluated: 2024-09-04. Review status: criteria provided, single submitter. Criteria: ACMG Guidelines, 2015. Collection method: clinical testing. Allele origin: germline.

CeGaT Center for Human Genetics Tuebingen
Classification: Likely benign. Last evaluated: 2024-02-01. Review status: criteria provided, single submitter. Criteria: CeGaT Center For Human Genetics Tuebingen Variant Classification Criteria Version 2. Collection method: clinical testing. Allele origin: germline. Affected: yes. Observed: 1 variant allele.
Comment: PKP2: BP4

Ambry Genetics
Classification: Likely benign for Cardiovascular phenotype. Last evaluated: 2019-01-09. Review status: criteria provided, single submitter. Criteria: Ambry Variant Classification Scheme 2023. Collection method: clinical testing. Allele origin: germline.

Center for Advanced Laboratory Medicine, UC San Diego Health, University of California San Diego
Classification: Likely benign for Cardiomyopathy. Last evaluated: 2018-10-02. Review status: criteria provided, single submitter. Criteria: ACMG Guidelines, 2015. Collection method: clinical testing. Allele origin: germline. Affected: yes. Observed: 1 variant allele.

CHEO Genetics Diagnostic Laboratory, Children's Hospital of Eastern Ontario
Classification: Benign for Cardiomyopathy. Last evaluated: 2018-02-16. Review status: criteria provided, single submitter. Criteria: ACMG Guidelines, 2015. Collection method: clinical testing. Allele origin: germline.

Phosphorus, Inc.
Classification: Uncertain significance for Becker muscular dystrophy. Last evaluated: 2017-08-01. Review status: criteria provided, single submitter. Criteria: ACMG Guidelines, 2015. Collection method: clinical testing. Allele origin: germline. Observed: 1 variant allele.

Phosphorus, Inc.
Classification: Uncertain significance for Dilated cardiomyopathy 3B. Last evaluated: 2017-08-01. Review status: criteria provided, single submitter. Criteria: ACMG Guidelines, 2015. Collection method: clinical testing. Allele origin: germline. Observed: 1 variant allele.

Phosphorus, Inc.
Classification: Uncertain significance for Duchenne muscular dystrophy. Last evaluated: 2017-08-01. Review status: criteria provided, single submitter. Criteria: ACMG Guidelines, 2015. Collection method: clinical testing. Allele origin: germline. Observed: 1 variant allele.

Phosphorus, Inc.
Classification: Uncertain significance for Arrhythmogenic right ventricular dysplasia 9. Last evaluated: 2017-08-01. Review status: criteria provided, single submitter. Criteria: ACMG Guidelines, 2015. Collection method: clinical testing. Allele origin: germline. Observed: 1 variant allele.

Phosphorus, Inc.
Classification: Uncertain significance for Brugada syndrome. Last evaluated: 2017-08-01. Review status: criteria provided, single submitter. Criteria: ACMG Guidelines, 2015. Collection method: clinical testing. Allele origin: germline. Observed: 1 variant allele.

Phosphorus, Inc.
Classification: Uncertain significance for Primary dilated cardiomyopathy. Last evaluated: 2017-08-01. Review status: criteria provided, single submitter. Criteria: ACMG Guidelines, 2015. Collection method: clinical testing. Allele origin: germline. Observed: 1 variant allele.

GeneDx
Classification: Likely benign. Last evaluated: 2016-10-12. Review status: criteria provided, single submitter. Criteria: GeneDx Variant Classification (06012015). Collection method: clinical testing. Allele origin: germline. Affected: yes.
Comment: This variant is considered likely benign or benign based on one or more of the following criteria: it is a conservative change, it occurs at a poorly conserved position in the protein, it is predicted to be benign by multiple in silico algorithms, and/or has population frequency not consistent with disease.

Laboratory for Molecular Medicine, Mass General Brigham Personalized Medicine
Classification: Likely benign. Last evaluated: 2013-11-04. Review status: criteria provided, single submitter. Criteria: LMM Criteria. Collection method: clinical testing. Allele origin: germline. Observed: 1 variant allele.
Comment: Arg490Trp in exon 6 of PKP2: This variant is not expected to have clinical signi ficance due to a lack of conservation across species, including mammals. Of note , orangutan, rhesus macaque, baboon, and marmoset have a tryptophan (Trp) at thi s position despite high nearby amino acid conservation. Addtionally, functional studies have shown that this variant does not impact splicing (Gandjbankhch 201 1). It has also been identified in 0.15% (7/4402) of African American chromosom es by the NHLBI Exome Sequencing Project (dbS NP rs149930872). Arg490Trp in exon 6 of PKP2 (rs149930872; allele frequency = 0 .15%, 7/4402) **

Biesecker Lab/Clinical Genomics Section, National Institutes of Health
Classification: Likely benign. Last evaluated: 2013-06-24. Review status: criteria provided, single submitter. Criteria: Ng et al. (Circ Cardiovasc Genet. 2013). Collection method: research. Allele origin: unknown. Observed: 2 variant alleles. Study: ClinSeq.
Comment: The study set was not selected for affection status in relation to any cancer. Pathogenicity categories were based on literature curation. See Pubmed ID:23861362 for details.

Medical sequencing

PreventionGenetics, part of Exact Sciences
Classification: Likely benign. Review status: criteria provided, single submitter. Criteria: ACMG Guidelines, 2015. Collection method: clinical testing. Allele origin: germline.

Literature cited by the submitters: PubMed 20400443 (cited by 4 submitters); PubMed 21378009 (cited by 4 submitters); PubMed 23861362 (cited by Women's Health and Genetics/Laboratory Corporation of America, LabCorp and Phosphorus, Inc.); PubMed 25650408 (cited by 3 submitters); PubMed 25676813 (cited by Women's Health and Genetics/Laboratory Corporation of America, LabCorp and Ambry Genetics); PubMed 27930701 (cited by Women's Health and Genetics/Laboratory Corporation of America, LabCorp); PubMed 33919104 (cited by Women's Health and Genetics/Laboratory Corporation of America, LabCorp and Mayo Clinic Laboratories, Mayo Clinic); PubMed 28166282 (cited by Ambry Genetics).